The following is an entry in ClinVar:

ClinVar aggregate classification (germline): Uncertain significance (1 of 4 stars; one submission).

Conditions:
Inborn genetic diseases. Identifiers: MedGen C0950123, MeSH D030342.

Submission:

Ambry Genetics
Classification: Uncertain significance for Inborn genetic diseases. Last evaluated: 2025-05-02. Review status: criteria provided, single submitter. Criteria: Ambry Variant Classification Scheme 2023. Collection method: clinical testing. Allele origin: germline.
Comment: The p.E1029Q variant (also known as c.3085G>C), located in coding exon 32 of the FANCA gene, results from a G to C substitution at nucleotide position 3085. The glutamic acid at codon 1029 is replaced by glutamine, an amino acid with highly similar properties. This amino acid position is conserved. In addition, this alteration is predicted to be tolerated by in silico analysis. Based on the available evidence, the clinical significance of this variant remains unclear.

NM_000135.4(FANCA):c.3085G>C (p.Glu1029Gln)

Gene: FANCA (FA complementation group A; minus strand). Cytogenetic location: 16q24.3.
Variant type: single nucleotide variant.
Coding change: c.3085G>C on transcript NM_000135.4 (MANE Select); coding-DNA position 3085, G replaced by C.
Protein change: p.Glu1029Gln; replaces glutamic acid 1029 with glutamine.
Molecular consequence: missense variant.
Genome position (GRCh38, 1-based): chr16:89,749,884, C>G on the plus strand (G>C on the coding strand, the complement: FANCA is on the minus strand). VCF-style: chr16-89749884-C-G. GRCh37 (hg19) VCF-style: chr16-89816292-C-G.
Other names: c.3085G>C, p.Glu1029Gln (NM_001286167.3); short protein forms E1029Q.
Identifiers: ClinVar variation 4022235 (VCV004022235.1).